The following is an entry in ClinVar:

ClinVar aggregate classification (germline): Likely pathogenic (1 of 4 stars; one submission).

Conditions:
DICER1-related tumor predisposition. Also called: DICER1-related pleuropulmonary blastoma cancer predisposition syndrome; DICER1 syndrome. Identifiers: Orphanet 284343, MedGen C3839822, MONDO:0100216.

Submission:

Labcorp Genetics (formerly Invitae), Labcorp
Classification: Likely pathogenic for DICER1-related tumor predisposition. Last evaluated: 2021-02-17. Review status: criteria provided, single submitter. Criteria: Invitae Variant Classification Sherloc (09022015). Collection method: clinical testing. Allele origin: germline.
Comment: In summary, the currently available evidence indicates that the variant is pathogenic, but additional data are needed to prove that conclusively. Therefore, this variant has been classified as Likely Pathogenic. Algorithms developed to predict the effect of sequence changes on RNA splicing suggest that this variant may disrupt the consensus splice site, but this prediction has not been confirmed by published transcriptional studies. This variant has not been reported in the literature in individuals with DICER1-related conditions. This variant is not present in population databases (ExAC no frequency). This sequence change affects an acceptor splice site in intron 8 of the DICER1 gene. It is expected to disrupt RNA splicing. Variants that disrupt the donor or acceptor splice site typically lead to a loss of protein function (PMID: 16199547), and loss-of-function variants in DICER1 are known to be pathogenic (PMID: 19556464, 21266384).

Literature cited by the submitters: PubMed 16199547; PubMed 19556464; PubMed 21266384.

NM_177438.3(DICER1):c.1377-2A>T

Gene: DICER1 (dicer 1, ribonuclease III; minus strand). Cytogenetic location: 14q32.13.
Variant type: single nucleotide variant.
Coding change: c.1377-2A>T on transcript NM_177438.3 (MANE Select); the canonical splice acceptor site of the intron before coding-DNA position 1377, A replaced by T.
Molecular consequence: splice acceptor variant.
Genome position (GRCh38, 1-based): chr14:95,117,756, T>A on the plus strand (A>T on the coding strand, the complement: DICER1 is on the minus strand). VCF-style: chr14-95117756-T-A. GRCh37 (hg19) VCF-style: chr14-95584093-T-A.
Other names: c.1377-2A>T (NM_001291628.2, NM_030621.4, NM_001395677.1 and 12 more transcripts); c.972-2A>T (NM_001395690.1, NM_001395687.1, NM_001395689.1 and 3 more transcripts); c.1095-2A>T (NM_001395686.1); c.810-2A>T (NM_001395691.1); c.-192-2A>T (NM_001395697.1).
Identifiers: ClinVar variation 1068241 (VCV001068241.10), dbSNP rs2140138974, ClinGen allele CA390885709.